The following is an entry in ClinVar:

ClinVar aggregate classification (germline): Uncertain significance (1 of 4 stars; one submission).

Conditions:
Multiple mitochondrial dysfunctions syndrome 1 (MMDS1). Identifiers: Orphanet 401869, MedGen C3276432, MONDO:0011582, OMIM 605711.

Allele frequency attached by ClinVar (database versions not stated): gnomAD exomes below 0.00001; gnomAD 0.00001.
gnomAD v4.1: 5 of 1,609,932 alleles (0.00031%); highest among the groups gnomAD compares: Admixed American, 0.0067%; no homozygotes.

Submission:

Labcorp Genetics (formerly Invitae), Labcorp
Classification: Uncertain significance for Multiple mitochondrial dysfunctions syndrome 1. Last evaluated: 2023-08-10. Review status: criteria provided, single submitter. Criteria: Invitae Variant Classification Sherloc (09022015). Collection method: clinical testing. Allele origin: germline.
Comment: In summary, the available evidence is currently insufficient to determine the role of this variant in disease. Therefore, it has been classified as a Variant of Uncertain Significance. An algorithm developed to predict the effect of missense changes on protein structure and function (PolyPhen-2) suggests that this variant is likely to be tolerated. ClinVar contains an entry for this variant (Variation ID: 1905628). This variant has not been reported in the literature in individuals affected with NFU1-related conditions. This variant is present in population databases (no rsID available, gnomAD 0.009%). This sequence change replaces glutamic acid, which is acidic and polar, with lysine, which is basic and polar, at codon 245 of the NFU1 protein (p.Glu245Lys).

NM_001002755.4(NFU1):c.733G>A (p.Glu245Lys)

Gene: NFU1 (NFU1 iron-sulfur cluster scaffold; minus strand). Cytogenetic location: 2p13.3.
Variant type: single nucleotide variant.
Coding change: c.733G>A on transcript NM_001002755.4 (MANE Select); coding-DNA position 733, G replaced by A.
Protein change: p.Glu245Lys; replaces glutamic acid 245 with lysine.
Molecular consequence: missense variant. On other transcripts: non-coding transcript variant (2).
Genome position (GRCh38, 1-based): chr2:69,396,278, C>T on the plus strand (G>A on the coding strand, the complement: NFU1 is on the minus strand). VCF-style: chr2-69396278-C-T. GRCh37 (hg19) VCF-style: chr2-69623410-C-T.
Other names: c.310G>A, p.Glu104Lys (NM_001002756.2); c.661G>A, p.Glu221Lys (NM_001374284.1, NM_015700.4); short protein forms E245K, E104K, E221K.
Identifiers: ClinVar variation 1905628 (VCV001905628.5), dbSNP rs1396495424, ClinGen allele CA347122722.